The following is an entry in ClinVar:

NM_000368.5(TSC1):c.381T>C (p.Val127=)

Gene: TSC1 (TSC complex subunit 1; minus strand). Cytogenetic location: 9q34.13.
Variant type: single nucleotide variant.
Coding change: c.381T>C on transcript NM_000368.5 (MANE Select); coding-DNA position 381, T replaced by C.
Protein change: p.Val127=; no amino-acid change (valine 127 retained).
Molecular consequence: synonymous variant.
Genome position (GRCh38, 1-based): chr9:132,923,475, A>G on the plus strand (T>C on the coding strand, the complement: TSC1 is on the minus strand). VCF-style: chr9-132923475-A-G. GRCh37 (hg19) VCF-style: chr9-135798862-A-G.
Other names: c.381T>C, p.Val127= (NM_001162426.2); c.228T>C, p.Val76= (NM_001162427.2); c.18T>C, p.Val6= (NM_001362177.2).
Identifiers: ClinVar variation 1081933 (VCV001081933.26), dbSNP rs1846682219, ClinGen allele CA467594016.

ClinVar aggregate classification (germline): Benign/Likely benign. Review status: criteria provided, multiple submitters, no conflicts (2 of 4 stars). 4 submissions from 4 submitters: Benign (1); Likely benign (3). Last evaluated 2025-08-18.

Conditions:
Tuberous sclerosis 1 (TSC1). Identifiers: Orphanet 805, MedGen C1854465, MONDO:0008612, OMIM 191100.
Hereditary cancer-predisposing syndrome. Also called: Neoplastic Syndromes, Hereditary; Tumor predisposition; Hereditary neoplastic syndrome; Hereditary Cancer Syndrome. Identifiers: Orphanet 140162, MedGen C0027672, MeSH D009386, MONDO:0015356.

Allele frequency attached by ClinVar (database versions not stated): gnomAD exomes below 0.00001; gnomAD 0.00001.
gnomAD v4.1: 8 of 1,614,062 alleles (0.0005%); highest among the groups gnomAD compares: Admixed American, 0.0017%; no homozygotes.

Submissions (4):

Labcorp Genetics (formerly Invitae), Labcorp
Classification: Likely benign for Tuberous sclerosis 1. Last evaluated: 2025-08-18. Review status: criteria provided, single submitter. Criteria: Invitae Variant Classification Sherloc (09022015). Collection method: clinical testing. Allele origin: germline.

Myriad Genetics, Inc.
Classification: Benign for Tuberous sclerosis 1. Last evaluated: 2025-04-08. Review status: criteria provided, single submitter. Criteria: Myriad Autosomal Dominant, Autosomal Recessive and X-Linked Classification Criteria (2023). Collection method: clinical testing. Allele origin: unknown.
Comment: This variant is considered benign. This variant is a silent/synonymous amino acid change and it is not expected to impact splicing.

CeGaT Center for Human Genetics Tuebingen
Classification: Likely benign. Last evaluated: 2024-10-01. Review status: criteria provided, single submitter. Criteria: CeGaT Center For Human Genetics Tuebingen Variant Classification Criteria Version 2. Collection method: clinical testing. Allele origin: germline. Affected: yes. Observed: 1 variant allele.
Comment: TSC1: BP4, BP7

Ambry Genetics
Classification: Likely benign for Hereditary cancer-predisposing syndrome. Last evaluated: 2020-05-13. Review status: criteria provided, single submitter. Criteria: Ambry Variant Classification Scheme 2023. Collection method: clinical testing. Allele origin: germline.